The following is an entry in ClinVar:

NM_004187.5(KDM5C):c.3296T>C (p.Leu1099Pro)

Gene: KDM5C (lysine demethylase 5C; minus strand). Cytogenetic location: Xp11.22.
Variant type: single nucleotide variant.
Coding change: c.3296T>C on transcript NM_004187.5 (MANE Select); coding-DNA position 3296, T replaced by C.
Protein change: p.Leu1099Pro; replaces leucine 1099 with proline.
Molecular consequence: missense variant. On other transcripts: non-coding transcript variant (3).
Genome position (GRCh38, 1-based): chrX:53,195,235, A>G on the plus strand (T>C on the coding strand, the complement: KDM5C is on the minus strand). VCF-style: chrX-53195235-A-G. GRCh37 (hg19) VCF-style: chrX-53224417-A-G.
Other names: c.3095T>C, p.Leu1032Pro (NM_001146702.2); c.3293T>C, p.Leu1098Pro (NM_001282622.3, NM_001353979.2, NM_001353982.2); c.3296T>C, p.Leu1099Pro (NM_001353978.3, NM_001353981.2, NM_001353984.2); short protein forms L1032P, L1098P, L1099P.
Identifiers: ClinVar variation 2500536 (VCV002500536.1), dbSNP rs2519383672, ClinGen allele CA413110112.

ClinVar aggregate classification (germline): Uncertain significance (1 of 4 stars; one submission).

Submission:

GeneDx
Classification: Uncertain significance. Last evaluated: 2022-10-27. Review status: criteria provided, single submitter. Criteria: GeneDx Variant Classification Process June 2021. Collection method: clinical testing. Allele origin: germline. Affected: yes.
Comment: Not observed at significant frequency in large population cohorts (gnomAD); In silico analysis supports that this missense variant has a deleterious effect on protein structure/function; Has not been previously published as pathogenic or benign to our knowledge